The following is an entry in ClinVar:

ClinVar aggregate classification (germline): Uncertain significance (1 of 4 stars; one submission).

gnomAD v4.1: 16 of 1,614,066 alleles (0.00099%); highest among the groups gnomAD compares: Admixed American, 0.015%; no homozygotes.

Submission:

Labcorp Genetics (formerly Invitae), Labcorp
Classification: Uncertain significance. Last evaluated: 2024-06-25. Review status: criteria provided, single submitter. Criteria: Invitae Variant Classification Sherloc (09022015). Collection method: clinical testing. Allele origin: germline.
Comment: This sequence change replaces isoleucine, which is neutral and non-polar, with valine, which is neutral and non-polar, at codon 944 of the LRP6 protein (p.Ile944Val). This variant is present in population databases (rs768741895, gnomAD 0.03%). This variant has not been reported in the literature in individuals affected with LRP6-related conditions. Advanced modeling of protein sequence and biophysical properties (such as structural, functional, and spatial information, amino acid conservation, physicochemical variation, residue mobility, and thermodynamic stability) performed at Invitae indicates that this missense variant is not expected to disrupt LRP6 protein function with a negative predictive value of 80%. In summary, the available evidence is currently insufficient to determine the role of this variant in disease. Therefore, it has been classified as a Variant of Uncertain Significance.

NM_002336.3(LRP6):c.2830A>G (p.Ile944Val)

Gene: LRP6 (LDL receptor related protein 6; minus strand). Cytogenetic location: 12p13.2.
Variant type: single nucleotide variant.
Coding change: c.2830A>G on transcript NM_002336.3 (MANE Select); coding-DNA position 2830, A replaced by G.
Protein change: p.Ile944Val; replaces isoleucine 944 with valine.
Molecular consequence: missense variant. On other transcripts: non-coding transcript variant (1).
Genome position (GRCh38, 1-based): chr12:12,151,000, T>C on the plus strand (A>G on the coding strand, the complement: LRP6 is on the minus strand). VCF-style: chr12-12151000-T-C. GRCh37 (hg19) VCF-style: chr12-12303934-T-C.
Other names: c.2830A>G, p.Ile944Val (NM_001414246.1, NM_001414244.1, NM_001414245.1 and 4 more transcripts); c.2632A>G, p.Ile878Val (NM_001414247.1); c.2377A>G, p.Ile793Val (NM_001414252.1, NM_001414253.1, NM_001414254.1); c.2323A>G, p.Ile775Val (NM_001414255.1); short protein forms I775V, I944V, I878V, I793V.
Identifiers: ClinVar variation 3708137 (VCV003708137.2).